The following is an entry in ClinVar:

ClinVar aggregate classification (germline): Uncertain significance (1 of 4 stars; one submission).

Allele frequency attached by ClinVar (database versions not stated): gnomAD exomes below 0.00001.
gnomAD v4.1: 4 of 1,549,574 alleles (0.00026%); highest among the groups gnomAD compares: Non-Finnish European, 0.00026%; no homozygotes.

Submission:

Labcorp Genetics (formerly Invitae), Labcorp
Classification: Uncertain significance. Last evaluated: 2021-12-27. Review status: criteria provided, single submitter. Criteria: Invitae Variant Classification Sherloc (09022015). Collection method: clinical testing. Allele origin: germline.
Comment: This sequence change replaces glutamine, which is neutral and polar, with leucine, which is neutral and non-polar, at codon 67 of the LOX protein (p.Gln67Leu). The frequency data for this variant in the population databases is considered unreliable, as metrics indicate poor data quality at this position in the gnomAD database. This variant has not been reported in the literature in individuals affected with LOX-related conditions. Algorithms developed to predict the effect of missense changes on protein structure and function are either unavailable or do not agree on the potential impact of this missense change (SIFT: "Not Available"; PolyPhen-2: "Benign"; Align-GVGD: "Not Available"). In summary, the available evidence is currently insufficient to determine the role of this variant in disease. Therefore, it has been classified as a Variant of Uncertain Significance.

NM_002317.7(LOX):c.200A>T (p.Gln67Leu)

Genes: LOX (lysyl oxidase; minus strand), SRFBP1 (serum response factor binding protein 1; plus strand). Cytogenetic location: 5q23.1.
Variant type: single nucleotide variant.
Coding change: c.200A>T on transcript NM_002317.7 (MANE Select); coding-DNA position 200, A replaced by T.
Protein change: p.Gln67Leu; replaces glutamine 67 with leucine.
Molecular consequence: missense variant.
Genome position (GRCh38, 1-based): chr5:122,077,786, T>A on the plus strand (A>T on the coding strand, the complement: LOX is on the minus strand). VCF-style: chr5-122077786-T-A. GRCh37 (hg19) VCF-style: chr5-121413481-T-A.
Other names: short protein forms Q67L.
Identifiers: ClinVar variation 1954936 (VCV001954936.5), dbSNP rs1262315311, ClinGen allele CA360877588.